The following is an entry in ClinVar:

NM_000391.4(TPP1):c.300A>C (p.Gln100His)

Gene: TPP1 (tripeptidyl peptidase 1; minus strand). Cytogenetic location: 11p15.4.
Variant type: single nucleotide variant.
Coding change: c.300A>C on transcript NM_000391.4 (MANE Select); coding-DNA position 300, A replaced by C.
Protein change: p.Gln100His; replaces glutamine 100 with histidine.
Molecular consequence: missense variant.
Genome position (GRCh38, 1-based): chr11:6,617,706, T>G on the plus strand (A>C on the coding strand, the complement: TPP1 is on the minus strand). VCF-style: chr11-6617706-T-G. GRCh37 (hg19) VCF-style: chr11-6638937-T-G.
Other names: short protein forms Q100H.
Identifiers: ClinVar variation 1387021 (VCV001387021.5), dbSNP rs1169280756, ClinGen allele CA379476433.

ClinVar aggregate classification (germline): Uncertain significance (1 of 4 stars; one submission).

Allele frequency attached by ClinVar (database versions not stated): gnomAD exomes below 0.00001 and 0.00001; TOPMed below 0.00001; gnomAD 0.00001.
gnomAD v4.1: 8 of 1,614,060 alleles (0.0005%); highest among the groups gnomAD compares: East Asian, 0.018%; no homozygotes.

Submission:

Labcorp Genetics (formerly Invitae), Labcorp
Classification: Uncertain significance. Last evaluated: 2022-09-01. Review status: criteria provided, single submitter. Criteria: Invitae Variant Classification Sherloc (09022015). Collection method: clinical testing. Allele origin: germline.
Comment: This sequence change replaces glutamine, which is neutral and polar, with histidine, which is basic and polar, at codon 100 of the TPP1 protein (p.Gln100His). This variant is present in population databases (no rsID available, gnomAD 0.006%). This variant has not been reported in the literature in individuals affected with TPP1-related conditions. ClinVar contains an entry for this variant (Variation ID: 1387021). Advanced modeling of protein sequence and biophysical properties (such as structural, functional, and spatial information, amino acid conservation, physicochemical variation, residue mobility, and thermodynamic stability) performed at Invitae indicates that this missense variant is not expected to disrupt TPP1 protein function. In summary, the available evidence is currently insufficient to determine the role of this variant in disease. Therefore, it has been classified as a Variant of Uncertain Significance.